The following is an entry in ClinVar:

NM_145239.3(PRRT2):c.638G>T (p.Gly213Val)

Genes: MVP-DT (MVP divergent transcript; minus strand), PRRT2 (proline rich transmembrane protein 2; plus strand). Cytogenetic location: 16p11.2.
Variant type: single nucleotide variant.
Coding change: c.638G>T on transcript NM_145239.3 (MANE Select); coding-DNA position 638, G replaced by T.
Protein change: p.Gly213Val; replaces glycine 213 with valine.
Molecular consequence: missense variant.
Genome position (GRCh38, 1-based): chr16:29,813,692, G>T. VCF-style: chr16-29813692-G-T. GRCh37 (hg19) VCF-style: chr16-29825013-G-T.
Other names: c.638G>T, p.Gly213Val (NM_001256442.2, NM_001256443.2); short protein forms G213V.
Identifiers: ClinVar variation 2977705 (VCV002977705.3), dbSNP rs796052935, ClinGen allele CA395479146.
Genomic context (GRCh38, chr16:29,813,692, plus strand): 5'-AAGAGGGCCCAGCCCCTGAGCCTCACTCACCACCCTCAAAAAAATCCCCCCCAGCCAATG[G>T]GGCCCCCCCCCGAGTGCTGCAGCAGCTGGTTGAGGAGGATCGAATGAGAAGGGCACACAG-3'
Protein context (NP_660282.2, residues 203-223): PPSKKSPPAN[Gly213Val]APPRVLQQLV

ClinVar aggregate classification (germline): Uncertain significance (1 of 4 stars; one submission).

Conditions:
Episodic kinesigenic dyskinesia (EKD). Also called: Paroxysmal kinesigenic dyskinesia. Identifiers: Orphanet 98809, MedGen C1868682, MONDO:0044202.

Submission:

Labcorp Genetics (formerly Invitae), Labcorp
Classification: Uncertain significance for Episodic kinesigenic dyskinesia. Last evaluated: 2023-10-16. Review status: criteria provided, single submitter. Criteria: Invitae Variant Classification Sherloc (09022015). Collection method: clinical testing. Allele origin: germline.
Comment: This sequence change replaces glycine, which is neutral and non-polar, with valine, which is neutral and non-polar, at codon 213 of the PRRT2 protein (p.Gly213Val). This variant is not present in population databases (gnomAD no frequency). This variant has not been reported in the literature in individuals affected with PRRT2-related conditions. Advanced modeling of protein sequence and biophysical properties (such as structural, functional, and spatial information, amino acid conservation, physicochemical variation, residue mobility, and thermodynamic stability) performed at Invitae indicates that this missense variant is not expected to disrupt PRRT2 protein function. In summary, the available evidence is currently insufficient to determine the role of this variant in disease. Therefore, it has been classified as a Variant of Uncertain Significance.